The following is an entry in ClinVar:

NM_001038603.3(MARVELD2):c.772G>A (p.Val258Met)

Gene: MARVELD2 (MARVEL domain containing 2; plus strand). Cytogenetic location: 5q13.2.
Variant type: single nucleotide variant.
Coding change: c.772G>A on transcript NM_001038603.3 (MANE Select); coding-DNA position 772, G replaced by A.
Protein change: p.Val258Met; replaces valine 258 with methionine.
Molecular consequence: missense variant.
Genome position (GRCh38, 1-based): chr5:69,420,157, G>A. VCF-style: chr5-69420157-G-A. GRCh37 (hg19) VCF-style: chr5-68715984-G-A.
Other names: c.772G>A, p.Val258Met (NM_001244734.2); short protein forms V258M.
Identifiers: ClinVar variation 3342676 (VCV003342676.2).
Genomic context (GRCh38, chr5:69,420,157, plus strand): 5'-GGATTGGGCAGTATGTATGGGGGCTATTACTACACTGGCCCTAAGACCCCTTTTGTACTC[G>A]TGGTTGCTGGATTAGCTTGGATCACCACCATTATTATTCTGGTTCTTGGCATGTCCATGT-3'
Protein context (NP_001033692.2, residues 248-268): YTGPKTPFVL[Val258Met]VAGLAWITTI

ClinVar aggregate classification (germline): Uncertain significance. Review status: criteria provided, multiple submitters, no conflicts (2 of 4 stars). 2 submissions from 2 submitters: Uncertain significance (2). Last evaluated 2024-11-06.

Conditions:
MARVELD2-related disorder. Also called: MARVELD2-related condition.

gnomAD v4.1: 18 of 1,614,134 alleles (0.0011%); highest among the groups gnomAD compares: East Asian, 0.0067%; no homozygotes.

Submissions (2):

PreventionGenetics, part of Exact Sciences
Classification: Uncertain significance for MARVELD2-related condition. Last evaluated: 2024-11-06. Review status: criteria provided, single submitter. Criteria: ACMG Guidelines, 2015. Collection method: clinical testing. Allele origin: germline.
Comment: The MARVELD2 c.772G>A variant is predicted to result in the amino acid substitution p.Val258Met. This variant has been reported in heterozygous state in patient with non-syndromic hearing loss (Zheng et al. 2019. PubMed ID: 30406641). This variant is reported in 0.011% of alleles in individuals of East Asian descent in gnomAD. At this time, the clinical significance of this variant is uncertain due to the absence of conclusive functional and genetic evidence.

GeneDx
Classification: Uncertain significance. Last evaluated: 2023-06-22. Review status: criteria provided, single submitter. Criteria: GeneDx Variant Classification Process June 2021. Collection method: clinical testing. Allele origin: germline. Affected: yes.
Comment: Reported in a patient with hearing loss in published literature (Zheng et al., 2019); In silico analysis supports that this missense variant does not alter protein structure/function; This variant is associated with the following publications: (PMID: 30406641)